The following is an entry in ClinVar:

ClinVar aggregate classification (germline): Uncertain significance (1 of 4 stars; one submission).

Submission:

Labcorp Genetics (formerly Invitae), Labcorp
Classification: Uncertain significance. Last evaluated: 2025-10-27. Review status: criteria provided, single submitter. Criteria: Invitae Variant Classification Sherloc (09022015). Collection method: clinical testing. Allele origin: germline.
Comment: This sequence change replaces glycine, which is neutral and non-polar, with arginine, which is basic and polar, at codon 341 of the HSD11B2 protein (p.Gly341Arg). This variant is not present in population databases (gnomAD no frequency). This variant has not been reported in the literature in individuals affected with HSD11B2-related conditions. An algorithm developed to predict the effect of missense changes on protein structure and function (PolyPhen-2) suggests that this variant is likely to be disruptive. In summary, the available evidence is currently insufficient to determine the role of this variant in disease. Therefore, it has been classified as a Variant of Uncertain Significance.

NM_000196.4(HSD11B2):c.1021G>C (p.Gly341Arg)

Gene: HSD11B2 (hydroxysteroid 11-beta dehydrogenase 2; plus strand). Cytogenetic location: 16q22.1.
Variant type: single nucleotide variant.
Coding change: c.1021G>C on transcript NM_000196.4 (MANE Select); coding-DNA position 1021, G replaced by C.
Protein change: p.Gly341Arg; replaces glycine 341 with arginine.
Molecular consequence: missense variant.
Genome position (GRCh38, 1-based): chr16:67,436,806, G>C. VCF-style: chr16-67436806-G-C. GRCh37 (hg19) VCF-style: chr16-67470709-G-C.
Other names: short protein forms G341R.
Identifiers: ClinVar variation 4797282 (VCV004797282.1).